The following is an entry in ClinVar:

NM_177438.3(DICER1):c.5365-1G>T

Gene: DICER1 (dicer 1, ribonuclease III; minus strand). Cytogenetic location: 14q32.13.
Variant type: single nucleotide variant.
Coding change: c.5365-1G>T on transcript NM_177438.3 (MANE Select); the canonical splice acceptor site of the intron before coding-DNA position 5365, G replaced by T.
Molecular consequence: splice acceptor variant. On other transcripts: intron variant (1).
Genome position (GRCh38, 1-based): chr14:95,091,366, C>A on the plus strand (G>T on the coding strand, the complement: DICER1 is on the minus strand). VCF-style: chr14-95091366-C-A. GRCh37 (hg19) VCF-style: chr14-95557703-C-A.
Other names: c.5365-1G>T (NM_001291628.2, NM_030621.4, NM_001395677.1 and 7 more transcripts); c.4960-1G>T (NM_001395690.1, NM_001395687.1, NM_001395689.1 and 1 more transcripts); c.5083-1G>T (NM_001395686.1); c.4798-1G>T (NM_001395691.1); c.3682-1G>T (NM_001395697.1); c.5365-257G>T (NM_001195573.1).
Identifiers: ClinVar variation 933042 (VCV000933042.3), dbSNP rs1595315343, ClinGen allele CA390864829.

ClinVar aggregate classification (germline): Pathogenic (1 of 4 stars; one submission).

Conditions:
DICER1-related tumor predisposition. Also called: DICER1-related pleuropulmonary blastoma cancer predisposition syndrome; DICER1 syndrome. Identifiers: Orphanet 284343, MedGen C3839822, MONDO:0100216.

Allele frequency attached by ClinVar (database versions not stated): TOPMed below 0.00001; gnomAD 0.00001.
gnomAD v4.1: 1 of 1,613,840 alleles (0.000062%); highest among the groups gnomAD compares: African/African-American, 0.0013%; no homozygotes.

Submission:

Foulkes Cancer Genetics LDI, Lady Davis Institute for Medical Research
Classification: Pathogenic for Pleuropulmonary blastoma. Last evaluated: 2019-07-01. Review status: criteria provided, single submitter. Criteria: ACMG Guidelines, 2015. Collection method: curation. Allele origin: somatic. Affected: yes. Observed: 1 variant allele.
Comment: ACMG criteria met: PVS1, PM1, PM2

Literature cited by the submitters: PubMed 22180160.